The following is an entry in ClinVar:

ClinVar aggregate classification (germline): Pathogenic/Likely pathogenic. Review status: criteria provided, multiple submitters, no conflicts (2 of 4 stars). 3 submissions from 3 submitters: Pathogenic (2); Likely pathogenic (1). Last evaluated 2024-06-19.

Conditions:
Hereditary cancer-predisposing syndrome. Also called: Hereditary neoplastic syndrome; Tumor predisposition; Hereditary Cancer Syndrome; Neoplastic Syndromes, Hereditary. Identifiers: Orphanet 140162, MedGen C0027672, MeSH D009386, MONDO:0015356.
Hereditary breast ovarian cancer syndrome. Also called: Breast and ovarian cancer; BRCA1- and BRCA2-Associated Hereditary Breast and Ovarian Cancer; Hereditary breast and ovarian cancer syndrome; Hereditary breast and/or ovarian cancer syndrome; Hereditary breast and ovarian cancer; Hereditary breast and ovarian cancer syndrome (HBOC). Identifiers: Orphanet 145, MedGen C0677776, MeSH D061325, MONDO:0003582. Disease mechanism: loss of function.

Submissions (3):

Labcorp Genetics (formerly Invitae), Labcorp
Classification: Pathogenic for Hereditary breast ovarian cancer syndrome. Last evaluated: 2024-06-19. Review status: criteria provided, single submitter. Criteria: Invitae Variant Classification Sherloc (09022015). Collection method: clinical testing. Allele origin: germline.
Comment: This sequence change affects an acceptor splice site in intron 21 of the BRCA2 gene. It is expected to disrupt RNA splicing. Variants that disrupt the donor or acceptor splice site typically lead to a loss of protein function (PMID: 16199547), and loss-of-function variants in BRCA2 are known to be pathogenic (PMID: 20104584). This variant is not present in population databases (gnomAD no frequency). Disruption of this splice site has been observed in individual(s) with personal and/or family history of breast and/or ovarian cancer (PMID: 9971877, 18489799, 24156927). It has also been observed to segregate with disease in related individuals. ClinVar contains an entry for this variant (Variation ID: 1070098). Studies have shown that disruption of this splice site alters mRNA splicing and is expected to lead to the loss of protein expression (PMID: 25382762). For these reasons, this variant has been classified as Pathogenic.

Ambry Genetics
Classification: Pathogenic for Hereditary cancer-predisposing syndrome. Last evaluated: 2021-03-26. Review status: criteria provided, single submitter. Criteria: Ambry Variant Classification Scheme 2023. Collection method: clinical testing. Allele origin: germline.
Comment: The c.8755-2A>T intronic pathogenic mutation results from an A to T substitution two nucleotides upstream from coding exon 21 in the BRCA2 gene. In silico splice site analysis predicts that this alteration will weaken the native splice acceptor site and will result in the creation or strengthening of a novel splice acceptor site. Additionally, another alteration impacting the same acceptor site (c.8755-1G>T) has been shown to result in aberrant RNA splicing (Ambry internal data). Alterations that disrupt the canonical splice site are expected to cause aberrant splicing, resulting in an abnormal protein or a transcript that is subject to nonsense-mediated mRNA decay. As such, this alteration is classified as a disease-causing mutation.

Quest Diagnostics Nichols Institute San Juan Capistrano
Classification: Likely pathogenic. Last evaluated: 2020-11-13. Review status: criteria provided, single submitter. Criteria: Quest Diagnostics criteria. Collection method: clinical testing. Allele origin: unknown.
Comment: This variant is located in a canonical splice-acceptor site and is predicted to interfere with normal BRCA2 mRNA splicing. To the best of our knowledge, the variant has not been reported in the published literature. This variant has not been reported in large, multi-ethnic general populations. Based on the available information, we predict that the variant is likely pathogenic.

Literature cited by the submitters: PubMed 16199547 (cited by Labcorp Genetics (formerly Invitae), Labcorp); PubMed 20104584 (cited by Labcorp Genetics (formerly Invitae), Labcorp); PubMed 9971877 (cited by Labcorp Genetics (formerly Invitae), Labcorp); PubMed 18489799 (cited by Labcorp Genetics (formerly Invitae), Labcorp); PubMed 24156927 (cited by Labcorp Genetics (formerly Invitae), Labcorp); PubMed 25382762 (cited by Labcorp Genetics (formerly Invitae), Labcorp).

NM_000059.4(BRCA2):c.8755-2A>T

Gene: BRCA2 (BRCA2 DNA repair associated; plus strand). Cytogenetic location: 13q13.1.
Variant type: single nucleotide variant.
Coding change: c.8755-2A>T on transcript NM_000059.4 (MANE Select); the canonical splice acceptor site of the intron before coding-DNA position 8755, A replaced by T.
Molecular consequence: splice acceptor variant.
Genome position (GRCh38, 1-based): chr13:32,379,315, A>T. VCF-style: chr13-32379315-A-T. GRCh37 (hg19) VCF-style: chr13-32953452-A-T.
Other names: c.8755-2A>T (NM_001406720.1); c.8659-2A>T (NM_001406719.1); c.3823-2A>T (NM_001406721.1); c.2338-2A>T (NM_001406722.1).
Identifiers: ClinVar variation 1070098 (VCV001070098.10), dbSNP rs1566252482, ClinGen allele CA387755675.
Genomic context (GRCh38, chr13:32,379,315, plus strand): 5'-TACAATAGATGGAACTTTTTTGTTCTGATTGCTTTTTATTCCAATATCTTAAATGGTCAC[A>T]GGGTTATTTCAGTGAAGAGCAGTTAAGAGCCTTGAATAATCACAGGCAAATGTTGAATGA-3'